The following is an entry in ClinVar:

NM_017654.4(SAMD9):c.1628T>G (p.Phe543Cys)

Gene: SAMD9 (sterile alpha motif domain containing 9; minus strand). Cytogenetic location: 7q21.2.
Variant type: single nucleotide variant.
Coding change: c.1628T>G on transcript NM_017654.4 (MANE Select); coding-DNA position 1628, T replaced by G.
Protein change: p.Phe543Cys; replaces phenylalanine 543 with cysteine.
Molecular consequence: missense variant.
Genome position (GRCh38, 1-based): chr7:93,104,470, A>C on the plus strand (T>G on the coding strand, the complement: SAMD9 is on the minus strand). VCF-style: chr7-93104470-A-C. GRCh37 (hg19) VCF-style: chr7-92733783-A-C.
Other names: c.1628T>G, p.Phe543Cys (NM_001193307.2); short protein forms F543C.
Identifiers: ClinVar variation 4159049 (VCV004159049.1).
Genomic context (GRCh38, chr7:93,104,470, plus strand): 5'-AAAGCACAGAAAGTCTCAATGAGGGGATCTCTTGGGTCATCCACAGAGGACAGTAATAGA[A>C]ATACCACCAAAAACTTCCCTCTTGGCATTATGTCTTCATGTGTAAGAAATGAAATCAGTT-3'
Protein context (NP_060124.2, residues 533-553): IMPRGKFLVV[Phe543Cys]LLLSSVDDPR

ClinVar aggregate classification (germline): Uncertain significance (1 of 4 stars; one submission).

Conditions:
Inborn genetic diseases. Identifiers: MedGen C0950123, MeSH D030342.

gnomAD v4.1: 1 of 1,614,048 alleles (0.000062%); highest among the groups gnomAD compares: Non-Finnish European, 0.000085%; no homozygotes.

Submission:

Ambry Genetics
Classification: Uncertain significance for Inborn genetic diseases. Last evaluated: 2025-06-28. Review status: criteria provided, single submitter. Criteria: Ambry Variant Classification Scheme 2023. Collection method: clinical testing. Allele origin: germline.
Comment: The p.F543C variant (also known as c.1628T>G), located in coding exon 1 of the SAMD9 gene, results from a T to G substitution at nucleotide position 1628. The phenylalanine at codon 543 is replaced by cysteine, an amino acid with highly dissimilar properties. This amino acid position is conserved. In addition, the in silico prediction for this alteration is inconclusive. Based on the available evidence, the clinical significance of this variant remains unclear.